The following is an entry in ClinVar:

ClinVar aggregate classification (germline): Benign. Review status: criteria provided, multiple submitters, no conflicts (2 of 4 stars). 3 submissions from 2 submitters: Benign (3). Last evaluated 2018-01-12.

Conditions:
Aicardi-Goutieres syndrome 5. Identifiers: Orphanet 51, MedGen C2749659, MONDO:0013059, OMIM 612952.
Chilblain lupus 2 (CHBL2). Identifiers: MedGen C3280721, MONDO:0013739, OMIM 614415.

Allele frequency attached by ClinVar (database versions not stated): gnomAD exomes 0.00102; gnomAD 0.04976 and 0.05345; 1000 Genomes Project 0.05012; 1000 Genomes Project 30x 0.05559; TOPMed 0.05690.
gnomAD v4.1: 7,502 of 158,314 alleles (4.7%); highest among the groups gnomAD compares: African/African-American, 17%; 605 homozygotes.

Submissions (3):

Illumina Laboratory Services, Illumina
Classification: Benign for Aicardi-Goutieres syndrome 5. Last evaluated: 2018-01-12. Review status: criteria provided, single submitter. Criteria: ICSL Variant Classification Criteria 13 December 2019. Collection method: clinical testing. Allele origin: germline.
Comment: This variant was observed in the ICSL laboratory as part of a predisposition screen in an ostensibly healthy population. It had not been previously curated by ICSL or reported in the Human Gene Mutation Database (HGMD: prior to June 1st, 2018), and was therefore a candidate for classification through an automated scoring system. Utilizing variant allele frequency, disease prevalence and penetrance estimates, and inheritance mode, an automated score was calculated to assess if this variant is too frequent to cause the disease. Based on the score and internal cut-off values, a variant classified as benign is not then subjected to further curation. The score for this variant resulted in a classification of benign for this disease.

Illumina Laboratory Services, Illumina
Classification: Benign for Chilblain lupus 2. Last evaluated: 2018-01-12. Review status: criteria provided, single submitter. Criteria: ICSL Variant Classification Criteria 13 December 2019. Collection method: clinical testing. Allele origin: germline.
Comment: the same text as in the submission from Illumina Laboratory Services, Illumina above.

Breakthrough Genomics
Classification: Benign. Review status: criteria provided, single submitter. Criteria: ACMG Guidelines, 2015. Collection method: not provided. Allele origin: germline. Inheritance: Autosomal recessive inheritance. Affected: yes.

NM_015474.4(SAMHD1):c.*629C>T

Genes: SAMHD1 (SAM and HD domain containing deoxynucleoside triphosphate triphosphohydrolase 1; minus strand), TLDC2 (TBC/LysM-associated domain containing 2; plus strand). Cytogenetic location: 20q11.23.
Variant type: single nucleotide variant.
Coding change: c.*629C>T on transcript NM_015474.4 (MANE Select); 629 bases downstream of the stop codon, C replaced by T.
Molecular consequence: 3 prime UTR variant. On other transcripts: intron variant (2).
Genome position (GRCh38, 1-based): chr20:36,892,303, G>A on the plus strand (C>T on the coding strand, the complement: SAMHD1 is on the minus strand). VCF-style: chr20-36892303-G-A. GRCh37 (hg19) VCF-style: chr20-35520706-G-A.
Other names: c.*629C>T (NM_001363729.2); c.*18-559G>A (NM_001304783.1, NM_080628.3).
Identifiers: ClinVar variation 338330 (VCV000338330.6), dbSNP rs8124728, ClinGen allele CA10653099.